The following is an entry in ClinVar:

NM_001191061.2(SLC25A22):c.556C>T (p.Leu186Phe)

Gene: SLC25A22 (solute carrier family 25 member 22; minus strand). Cytogenetic location: 11p15.5.
Variant type: single nucleotide variant.
Coding change: c.556C>T on transcript NM_001191061.2 (MANE Select); coding-DNA position 556, C replaced by T.
Protein change: p.Leu186Phe; replaces leucine 186 with phenylalanine.
Molecular consequence: missense variant.
Genome position (GRCh38, 1-based): chr11:792,584, G>A on the plus strand (C>T on the coding strand, the complement: SLC25A22 is on the minus strand). VCF-style: chr11-792584-G-A. GRCh37 (hg19) VCF-style: chr11-792584-G-A.
Other names: c.556C>T, p.Leu186Phe (NM_001191060.2, NM_024698.6); short protein forms L186F.
Identifiers: ClinVar variation 1504774 (VCV001504774.6), dbSNP rs1363497671, ClinGen allele CA378969547.

ClinVar aggregate classification (germline): Uncertain significance (1 of 4 stars; one submission).

Conditions:
Developmental and epileptic encephalopathy. Identifiers: MedGen C5779964, MONDO:0100620.

Allele frequency attached by ClinVar (database versions not stated): gnomAD exomes below 0.00001; TOPMed 0.00001.
gnomAD v4.1: 4 of 1,611,966 alleles (0.00025%); highest among the groups gnomAD compares: Non-Finnish European, 0.00025%; no homozygotes.

Submission:

Labcorp Genetics (formerly Invitae), Labcorp
Classification: Uncertain significance for Early-infantile DEE. Last evaluated: 2022-07-06. Review status: criteria provided, single submitter. Criteria: Invitae Variant Classification Sherloc (09022015). Collection method: clinical testing. Allele origin: germline.
Comment: This sequence change replaces leucine, which is neutral and non-polar, with phenylalanine, which is neutral and non-polar, at codon 186 of the SLC25A22 protein (p.Leu186Phe). This variant is present in population databases (no rsID available, gnomAD 0.0009%). This variant has not been reported in the literature in individuals affected with SLC25A22-related conditions. ClinVar contains an entry for this variant (Variation ID: 1504774). Algorithms developed to predict the effect of missense changes on protein structure and function are either unavailable or do not agree on the potential impact of this missense change (SIFT: "Deleterious"; PolyPhen-2: "Probably Damaging"; Align-GVGD: "Class C0"). In summary, the available evidence is currently insufficient to determine the role of this variant in disease. Therefore, it has been classified as a Variant of Uncertain Significance.